The following is an entry in ClinVar:

NM_004998.4(MYO1E):c.554A>G (p.Asp185Gly)

Gene: MYO1E (myosin IE; minus strand). Cytogenetic location: 15q22.2.
Variant type: single nucleotide variant.
Coding change: c.554A>G on transcript NM_004998.4 (MANE Select); coding-DNA position 554, A replaced by G.
Protein change: p.Asp185Gly; replaces aspartic acid 185 with glycine.
Molecular consequence: missense variant.
Genome position (GRCh38, 1-based): chr15:59,227,547, T>C on the plus strand (A>G on the coding strand, the complement: MYO1E is on the minus strand). VCF-style: chr15-59227547-T-C. GRCh37 (hg19) VCF-style: chr15-59519746-T-C.
Other names: c.554A>G (NM_004998.2); short protein forms D185G.
Identifiers: ClinVar variation 500038 (VCV000500038.23), dbSNP rs141565214, ClinGen allele CA7590283.

ClinVar aggregate classification (germline): Benign/Likely benign. Review status: criteria provided, multiple submitters, no conflicts (2 of 4 stars). 6 submissions from 6 submitters: Benign (1); Likely benign (5). Last evaluated 2026-07-01.

Conditions:
Inborn genetic diseases. Identifiers: MedGen C0950123, MeSH D030342.
Focal segmental glomerulosclerosis 6 (FSGS6). Identifiers: Orphanet 656, MedGen C3279905, MONDO:0013589, OMIM 614131.

Allele frequency attached by ClinVar (database versions not stated): 1000 Genomes Project 0.00200; gnomAD exomes 0.00219; ExAC 0.00250; gnomAD 0.00101 and 0.00119; TOPMed 0.00110; ESP Exome Variant Server 0.00116; 1000 Genomes Project 30x 0.00172.
gnomAD v4.1: 2,659 of 1,614,208 alleles (0.16%); highest among the groups gnomAD compares: South Asian, 0.79%; 14 homozygotes.

Submissions (9):

CeGaT Center for Human Genetics Tuebingen
Classification: Likely benign. Last evaluated: 2026-07-01. Review status: criteria provided, single submitter. Criteria: CeGaT Center For Human Genetics Tuebingen Variant Classification Criteria Version 2. Collection method: clinical testing. Allele origin: germline. Affected: yes. Observed: 2 variant alleles.
Comment: MYO1E: PP3, BS2

Labcorp Genetics (formerly Invitae), Labcorp
Classification: Benign. Last evaluated: 2025-12-16. Review status: criteria provided, single submitter. Criteria: Invitae Variant Classification Sherloc (09022015). Collection method: clinical testing. Allele origin: germline.

Ambry Genetics
Classification: Likely benign for Inborn genetic diseases. Last evaluated: 2025-06-13. Review status: criteria provided, single submitter. Criteria: Ambry Variant Classification Scheme 2023. Collection method: clinical testing. Allele origin: germline.

Fulgent Genetics
Classification: Likely benign for Focal segmental glomerulosclerosis 6. Last evaluated: 2022-04-11. Review status: criteria provided, single submitter. Criteria: ACMG Guidelines, 2015. Collection method: clinical testing. Allele origin: unknown.

GeneDx
Classification: Likely benign. Last evaluated: 2021-05-18. Review status: criteria provided, single submitter. Criteria: GeneDx Variant Classification Process June 2021. Collection method: clinical testing. Allele origin: germline. Affected: yes.
Comment: Reported in the heterozygous state in a patient with nephrotic syndrome, with the P1049H variant on the same allele (in cis), but no variant was seen on the opposite MYO1E allele (in trans), and these variants did not segregate with the disorder in another affected sibling (Sanna-Cherchi et al., 2011); Reported in the heterozygous state with the P1049H variant in a patient not reported to have renal disease, but it is not known whether the variants occurred on the same (in cis) or on different (in trans) chromosomes (Nozari et al., 2019); Reported in the heterozygous state with the L822M variant in a patient with steroid resistant nephrotic syndrome, but it is not known whether the variants occurred on the same (in cis) or on different (in trans) chromosomes (Sadowski et al., 2015); In silico analysis supports that this missense variant has a deleterious effect on protein structure/function; This variant is associated with the following publications: (PMID: 30415495, 25349199, 21697813, 30507091)

Eurofins Ntd Llc (ga)
Classification: Likely benign. Last evaluated: 2017-04-10. Review status: criteria provided, single submitter. Criteria: EGL Classification Definitions 2015. Collection method: clinical testing. Allele origin: germline. Observed: 2 variant alleles, 2 heterozygotes.

Dr. Peter K. Rogan Lab, Western University
No classification provided (evidence only). Condition: Clear cell carcinoma of kidney. Review status: no classification provided. Collection method: in vitro. Allele origin: not applicable. Functional consequence: skipped exon. Not counted in ClinVar's aggregate classification.

Dr. Peter K. Rogan Lab, Western University
No classification provided (evidence only). Condition: Familial cancer of breast. Review status: no classification provided. Collection method: in vitro. Allele origin: not applicable. Functional consequence: skipped exon. Not counted in ClinVar's aggregate classification.

Dr. Peter K. Rogan Lab, Western University
No classification provided (evidence only). Condition: Thyroid cancer, nonmedullary, 1. Review status: no classification provided. Collection method: in vitro. Allele origin: not applicable. Functional consequence: retained intron. Not counted in ClinVar's aggregate classification.